The following is an entry in ClinVar:

NM_025144.4(ALPK1):c.3448del (p.Thr1150fs)

Gene: ALPK1 (alpha kinase 1; plus strand). Cytogenetic location: 4q25.
Variant type: Deletion.
Coding change: c.3448del on transcript NM_025144.4 (MANE Select); coding-DNA position 3448, one base deleted (A; older notation c.3448delA).
Protein change: p.Thr1150fs; shifts the reading frame from threonine 1150.
Molecular consequence: frameshift variant.
Genome position (GRCh38, 1-based): chr4:112,439,782, A deleted; the last of 4 consecutive A bases (chr4:112,439,779-112,439,782); deleting any one gives the same sequence. VCF-style (leftmost placement, unchanged base first): chr4-112439778-GA-G. GRCh37 (hg19) VCF-style: chr4-113360934-GA-G.
Other names: c.3448del, p.Thr1150fs (NM_001102406.2); c.3214del, p.Thr1072fs (NM_001253884.2); short protein forms T1072fs, T1150fs.
Identifiers: ClinVar variation 3698340 (VCV003698340.1).

ClinVar aggregate classification (germline): Uncertain significance (1 of 4 stars; one submission).

Submission:

Labcorp Genetics (formerly Invitae), Labcorp
Classification: Uncertain significance. Last evaluated: 2024-07-23. Review status: criteria provided, single submitter. Criteria: Invitae Variant Classification Sherloc (09022015). Collection method: clinical testing. Allele origin: germline.
Comment: This sequence change creates a premature translational stop signal (p.Thr1150Glnfs*33) in the ALPK1 gene. It is expected to result in an absent or disrupted protein product. However, the current clinical and genetic evidence is not sufficient to establish whether loss-of-function variants in ALPK1 cause disease. This variant is present in population databases (no rsID available, gnomAD 0.1%). This variant has not been reported in the literature in individuals affected with ALPK1-related conditions. In summary, the available evidence is currently insufficient to determine the role of this variant in disease. Therefore, it has been classified as a Variant of Uncertain Significance.